The following is an entry in ClinVar:

ClinVar aggregate classification (germline): Uncertain significance. Review status: criteria provided, multiple submitters, no conflicts (2 of 4 stars). 2 submissions from 2 submitters: Uncertain significance (2). Last evaluated 2026-09-16.

Conditions:
KSR2-related disorder. Also called: KSR2-related condition.

Allele frequency attached by ClinVar (database versions not stated): ExAC 0.00005; gnomAD exomes 0.00009; TOPMed 0.00012; gnomAD 0.00013; 1000 Genomes Project 0.00020; 1000 Genomes Project 30x 0.00031.
gnomAD v4.1: 152 of 1,613,892 alleles (0.0094%); highest among the groups gnomAD compares: Admixed American, 0.037%; no homozygotes.

Submissions (2):

PreventionGenetics, part of Exact Sciences
Classification: Uncertain significance for KSR2-related condition. Last evaluated: 2026-09-16. Review status: criteria provided, single submitter. Criteria: ACMG Guidelines, 2015. Collection method: clinical testing. Allele origin: germline.
Comment: The KSR2 c.2545C>T variant is predicted to result in the amino acid substitution p.Pro849Ser. To our knowledge, this variant has not been reported in the literature. This variant is reported in 0.023% of alleles in individuals of Latino descent in gnomAD. At this time, the clinical significance of this variant is uncertain due to the absence of conclusive functional and genetic evidence.

Ambry Genetics
Classification: Uncertain significance. Last evaluated: 2024-04-29. Review status: criteria provided, single submitter. Criteria: Ambry Variant Classification Scheme 2023. Collection method: clinical testing. Allele origin: germline.

NM_173598.6(KSR2):c.2632C>T (p.Pro878Ser)

Gene: KSR2 (kinase suppressor of ras 2; minus strand). Cytogenetic location: 12q24.22.
Variant type: single nucleotide variant.
Coding change: c.2632C>T on transcript NM_173598.6 (MANE Select); coding-DNA position 2632, C replaced by T.
Protein change: p.Pro878Ser; replaces proline 878 with serine.
Molecular consequence: missense variant.
Genome position (GRCh38, 1-based): chr12:117,471,271, G>A on the plus strand (C>T on the coding strand, the complement: KSR2 is on the minus strand). VCF-style: chr12-117471271-G-A. GRCh37 (hg19) VCF-style: chr12-117909076-G-A.
Other names: short protein forms P878S.
Identifiers: ClinVar variation 3040890 (VCV003040890.4), dbSNP rs540691039, ClinGen allele CA6815666.